The following is an entry in ClinVar:

NM_000346.4(SOX9):c.524A>G (p.Gln175Arg)

Gene: SOX9 (SRY-box transcription factor 9; plus strand). Cytogenetic location: 17q24.3.
Variant type: single nucleotide variant.
Coding change: c.524A>G on transcript NM_000346.4 (MANE Select); coding-DNA position 524, A replaced by G.
Protein change: p.Gln175Arg; replaces glutamine 175 with arginine.
Molecular consequence: missense variant.
Genome position (GRCh38, 1-based): chr17:72,122,811, A>G. VCF-style: chr17-72122811-A-G. GRCh37 (hg19) VCF-style: chr17-70118952-A-G.
Other names: short protein forms Q175R.
Identifiers: ClinVar variation 3252142 (VCV003252142.1), dbSNP rs2143245974.

ClinVar aggregate classification (germline): Uncertain significance (1 of 4 stars; one submission).

Submission:

GeneDx
Classification: Uncertain significance. Last evaluated: 2023-09-29. Review status: criteria provided, single submitter. Criteria: GeneDx Variant Classification Process June 2021. Collection method: clinical testing. Allele origin: germline. Affected: yes.
Comment: Not observed at significant frequency in large population cohorts (gnomAD); In silico analysis supports that this missense variant has a deleterious effect on protein structure/function; Has not been previously published as pathogenic or benign to our knowledge